The following is an entry in ClinVar:

ClinVar aggregate classification (germline): Conflicting classifications of pathogenicity. Review status: criteria provided, conflicting classifications (1 of 4 stars). 4 submissions from 4 submitters: Uncertain significance (2); Benign (1); Likely benign (1). Last evaluated 2026-01-09.

Conditions:
Inborn genetic diseases. Identifiers: MedGen C0950123, MeSH D030342.
Koolen-de Vries syndrome (KDVS). Identifiers: Orphanet 96169, MedGen C1864871, MONDO:0012496, OMIM 610443.

Allele frequency attached by ClinVar (database versions not stated): gnomAD exomes 0.00003 and 0.00007; ExAC 0.00004; TOPMed 0.00005; gnomAD 0.00007.
gnomAD v4.1: 106 of 1,614,030 alleles (0.0066%); highest among the groups gnomAD compares: Non-Finnish European, 0.0086%; no homozygotes.

Submissions (4):

Labcorp Genetics (formerly Invitae), Labcorp
Classification: Benign for Koolen-de Vries syndrome. Last evaluated: 2026-01-09. Review status: criteria provided, single submitter. Criteria: Invitae Variant Classification Sherloc (09022015). Collection method: clinical testing. Allele origin: germline.

Fulgent Genetics
Classification: Uncertain significance for Koolen-de Vries syndrome. Last evaluated: 2024-04-16. Review status: criteria provided, single submitter. Criteria: ACMG Guidelines, 2015. Collection method: clinical testing. Allele origin: germline.

Ambry Genetics
Classification: Uncertain significance for Inborn genetic diseases. Last evaluated: 2023-04-10. Review status: criteria provided, single submitter. Criteria: Ambry Variant Classification Scheme 2023. Collection method: clinical testing. Allele origin: germline.

GeneDx
Classification: Likely benign. Last evaluated: 2016-09-26. Review status: criteria provided, single submitter. Criteria: GeneDx Variant Classification (06012015). Collection method: clinical testing. Allele origin: germline. Affected: yes.
Comment: This variant is considered likely benign or benign based on one or more of the following criteria: it is a conservative change, it occurs at a poorly conserved position in the protein, it is predicted to be benign by multiple in silico algorithms, and/or has population frequency not consistent with disease.

NM_015443.4(KANSL1):c.2441C>G (p.Thr814Ser)

Gene: KANSL1 (KAT8 regulatory NSL complex subunit 1). Cytogenetic location: 17q21.31.
Variant type: single nucleotide variant.
Coding change: c.2441C>G on transcript NM_015443.4 (MANE Select); coding-DNA position 2441, C replaced by G.
Protein change: p.Thr814Ser; replaces threonine 814 with serine.
Molecular consequence: missense variant.
Genome position (GRCh38, 1-based): chr17:46,038,638, G>C on the plus strand (C>G on the coding strand, the complement: KANSL1 is on the minus strand). VCF-style: chr17-46038638-G-C. GRCh37 (hg19) VCF-style: chr17-44116004-G-C.
Other names: c.2441C>G, p.Thr814Ser (NM_001193465.2, NM_001193466.2, NM_001379198.1); short protein forms T814S.
Identifiers: ClinVar variation 323770 (VCV000323770.13), dbSNP rs757031050, ClinGen allele CA8618564.